The following is an entry in ClinVar:

NM_007294.4(BRCA1):c.4611A>T (p.Gln1537His)

Gene: BRCA1 (BRCA1 DNA repair associated; minus strand). Cytogenetic location: 17q21.31.
Variant type: single nucleotide variant.
Coding change: c.4611A>T on transcript NM_007294.4 (MANE Select); coding-DNA position 4611, A replaced by T.
Protein change: p.Gln1537His; replaces glutamine 1537 with histidine.
Molecular consequence: missense variant. On other transcripts: non-coding transcript variant (1).
Genome position (GRCh38, 1-based): chr17:43,074,395, T>A on the plus strand (A>T on the coding strand, the complement: BRCA1 is on the minus strand). VCF-style: chr17-43074395-T-A. GRCh37 (hg19) VCF-style: chr17-41226412-T-A.
Other names: c.4485A>T, p.Gln1495His (NM_001407677.1, NM_001407678.1, NM_001407679.1 and 11 more transcripts); c.4482A>T, p.Gln1494His (NM_001407681.1, NM_001407682.1, NM_001407683.1 and 6 more transcripts); c.4611A>T, p.Gln1537His (NM_001407684.1, NM_001407854.1, NM_001407593.1 and 8 more transcripts); c.4479A>T, p.Gln1493His (NM_001407690.1, NM_001407691.1); c.4470A>T, p.Gln1490His (NM_001407692.1, NM_001407694.1, NM_001407695.1 and 13 more transcripts); c.4467A>T, p.Gln1489His (NM_001407732.1, NM_001407733.1, NM_001407734.1 and 21 more transcripts); c.4464A>T, p.Gln1488His (NM_001407838.1, NM_001407839.1, NM_001407841.1 and 12 more transcripts); c.4608A>T, p.Gln1536His (NM_001407858.1, NM_001407859.1, NM_001407860.1 and 17 more transcripts); and 68 more; short protein forms Q1240H, Q1368H, Q1410H, Q1424H, Q1425H, Q1465H, Q1466H, Q1489H.
Identifiers: ClinVar variation 1741895 (VCV001741895.4), dbSNP rs2154001457, ClinGen allele CA10592289.
Genomic context (GRCh38, chr17:43,074,395, plus strand): 5'-ATCTTGCCTTGGCAAGTAAGATGTTTCCGTCAAATCGTGTGGCCCAGACTCTTCCAGCTG[T>A]TGCTCCTCCACATCAACAACCTTAATGAGCTCCTCTTGAGATGGGTAGTTTCTATTCTGA-3'
Protein context (NP_009225.1, residues 1527-1547): ELIKVVDVEE[Gln1537His]QLEESGPHDL

ClinVar aggregate classification (germline): Uncertain significance. Review status: criteria provided, multiple submitters, no conflicts (2 of 4 stars). 2 submissions from 2 submitters: Uncertain significance (2). Last evaluated 2025-11-23.

Conditions:
Hereditary cancer-predisposing syndrome. Also called: Hereditary Cancer Syndrome; Hereditary neoplastic syndrome; Neoplastic Syndromes, Hereditary; Tumor predisposition. Identifiers: Orphanet 140162, MedGen C0027672, MeSH D009386, MONDO:0015356.
Hereditary breast ovarian cancer syndrome. Also called: Hereditary breast and ovarian cancer syndrome (HBOC); Hereditary breast and ovarian cancer syndrome; Breast and ovarian cancer; Hereditary breast and/or ovarian cancer syndrome; Hereditary breast and ovarian cancer; BRCA1- and BRCA2-Associated Hereditary Breast and Ovarian Cancer. Identifiers: Orphanet 145, MedGen C0677776, MeSH D061325, MONDO:0003582. Disease mechanism: loss of function.

Submissions (2):

Labcorp Genetics (formerly Invitae), Labcorp
Classification: Uncertain significance for Hereditary breast ovarian cancer syndrome. Last evaluated: 2025-11-23. Review status: criteria provided, single submitter. Criteria: Invitae Variant Classification Sherloc (09022015). Collection method: clinical testing. Allele origin: germline.
Comment: This sequence change replaces glutamine, which is neutral and polar, with histidine, which is basic and polar, at codon 1537 of the BRCA1 protein (p.Gln1537His). This variant is not present in population databases (gnomAD no frequency). This variant has not been reported in the literature in individuals affected with BRCA1-related conditions. ClinVar contains an entry for this variant (Variation ID: 1741895). Invitae Evidence Modeling of protein sequence and biophysical properties (such as structural, functional, and spatial information, amino acid conservation, physicochemical variation, residue mobility, and thermodynamic stability) indicates that this missense variant is not expected to disrupt BRCA1 protein function with a negative predictive value of 95%. In summary, the available evidence is currently insufficient to determine the role of this variant in disease. Therefore, it has been classified as a Variant of Uncertain Significance.

Ambry Genetics
Classification: Uncertain significance for Hereditary cancer-predisposing syndrome. Last evaluated: 2025-08-29. Review status: criteria provided, single submitter. Criteria: Ambry Variant Classification Scheme 2023. Collection method: clinical testing. Allele origin: germline.
Comment: The p.Q1537H variant (also known as c.4611A>T), located in coding exon 13 of the BRCA1 gene, results from an A to T substitution at nucleotide position 4611. The glutamine at codon 1537 is replaced by histidine, an amino acid with highly similar properties. This amino acid position is conserved. In addition, the in silico prediction for this alteration is inconclusive. Since supporting evidence is limited at this time, the clinical significance of this alteration remains unclear.